The following is an entry in ClinVar:

ClinVar aggregate classification (germline): Uncertain significance. Review status: criteria provided, multiple submitters, no conflicts (2 of 4 stars). 2 submissions from 2 submitters: Uncertain significance (2). Last evaluated 2022-01-04.

Conditions:
Bethlem myopathy 1A. Also called: Bethlem Muscular Dystrophy; Bethlem myopathy 1; MYOPATHY, BENIGN CONGENITAL, WITH CONTRACTURES. Identifiers: Orphanet 610, MedGen CN029274, MONDO:0024530, OMIM 158810.

Allele frequency attached by ClinVar (database versions not stated): ExAC 0.00001; gnomAD exomes below 0.00001.
gnomAD v4.1: 2 of 1,614,110 alleles (0.00012%); highest among the groups gnomAD compares: Non-Finnish European, 0.00017%; no homozygotes.

Submissions (2):

Labcorp Genetics (formerly Invitae), Labcorp
Classification: Uncertain significance for Bethlem myopathy 1A. Last evaluated: 2022-01-04. Review status: criteria provided, single submitter. Criteria: Invitae Variant Classification Sherloc (09022015). Collection method: clinical testing. Allele origin: germline.
Comment: In summary, the available evidence is currently insufficient to determine the role of this variant in disease. Therefore, it has been classified as a Variant of Uncertain Significance. Advanced modeling of protein sequence and biophysical properties (such as structural, functional, and spatial information, amino acid conservation, physicochemical variation, residue mobility, and thermodynamic stability) performed at Invitae indicates that this missense variant is not expected to disrupt COL6A3 protein function. ClinVar contains an entry for this variant (Variation ID: 967981). This variant has not been reported in the literature in individuals affected with COL6A3-related conditions. This variant is present in population databases (rs780855121, gnomAD 0.0009%). This sequence change replaces serine, which is neutral and polar, with cysteine, which is neutral and slightly polar, at codon 888 of the COL6A3 protein (p.Ser888Cys).

Revvity Omics, Revvity
Classification: Uncertain significance. Last evaluated: 2019-12-09. Review status: criteria provided, single submitter. Criteria: ACMG Guidelines, 2015. Collection method: clinical testing. Allele origin: germline.

NM_004369.4(COL6A3):c.2663C>G (p.Ser888Cys)

Gene: COL6A3 (collagen type VI alpha 3 chain; minus strand). Cytogenetic location: 2q37.3.
Variant type: single nucleotide variant.
Coding change: c.2663C>G on transcript NM_004369.4 (MANE Select); coding-DNA position 2663, C replaced by G.
Protein change: p.Ser888Cys; replaces serine 888 with cysteine.
Molecular consequence: missense variant.
Genome position (GRCh38, 1-based): chr2:237,377,179, G>C on the plus strand (C>G on the coding strand, the complement: COL6A3 is on the minus strand). VCF-style: chr2-237377179-G-C. GRCh37 (hg19) VCF-style: chr2-238285822-G-C.
Other names: c.1442C>G, p.Ser481Cys (NM_057164.5); c.2045C>G, p.Ser682Cys (NM_057165.5, NM_057167.4); c.842C>G, p.Ser281Cys (NM_057166.5); short protein forms S481C, S682C, S281C, S888C.
Identifiers: ClinVar variation 967981 (VCV000967981.13), dbSNP rs780855121, ClinGen allele CA2189349.
Genomic context (GRCh38, chr2:237,377,179, plus strand): 5'-ATCTTCATTCTCTTCACAAGATTCAGGATCTCAGGCTTACTCTGGTGCTCATCAAAACGG[G>C]ACTCCACCTTGACATCATCGCTGTACTGAGCCACCGCAATTCGGGTCCCCTCTGGCTTCA-3'
Protein context (NP_004360.2, residues 878-898): AQYSDDVKVE[Ser888Cys]RFDEHQSKPE